The following is an entry in ClinVar:

ClinVar aggregate classification (germline): Uncertain significance (1 of 4 stars; one submission).

Conditions:
Intellectual developmental disorder, X-linked, syndromic, Raymond type. Also called: Syndromic X-linked intellectual disability Raymond type. Identifiers: MedGen C3275406, MONDO:0010427, OMIM 300799.

Submission:

Labcorp Genetics (formerly Invitae), Labcorp
Classification: Uncertain significance for Intellectual developmental disorder, X-linked, syndromic, Raymond type. Last evaluated: 2025-08-11. Review status: criteria provided, single submitter. Criteria: Invitae Variant Classification Sherloc (09022015). Collection method: clinical testing. Allele origin: germline.
Comment: This sequence change falls in intron 9 of the ZDHHC9 gene. It does not directly change the encoded amino acid sequence of the ZDHHC9 protein. It affects a nucleotide within the consensus splice site. This variant is not present in population databases (gnomAD no frequency). This variant has not been reported in the literature in individuals affected with ZDHHC9-related conditions. Variants that disrupt the consensus splice site are a relatively common cause of aberrant splicing (PMID: 17576681, 9536098). Algorithms developed to predict the effect of sequence changes on RNA splicing suggest that this variant is not likely to affect RNA splicing. In summary, the available evidence is currently insufficient to determine the role of this variant in disease. Therefore, it has been classified as a Variant of Uncertain Significance.

Literature cited by the submitters: PubMed 17576681; PubMed 9536098.

NM_016032.4(ZDHHC9):c.881+5T>C

Gene: ZDHHC9 (zDHHC palmitoyltransferase 9; minus strand). Cytogenetic location: Xq26.1.
Variant type: single nucleotide variant.
Coding change: c.881+5T>C on transcript NM_016032.4 (MANE Select); 5 bases into the intron after coding-DNA position 881, T replaced by C.
Molecular consequence: intron variant.
Genome position (GRCh38, 1-based): chrX:129,811,401, A>G on the plus strand (T>C on the coding strand, the complement: ZDHHC9 is on the minus strand). VCF-style: chrX-129811401-A-G. GRCh37 (hg19) VCF-style: chrX-128945377-A-G.
Other names: c.881+5T>C (NM_001008222.3).
Identifiers: ClinVar variation 4715456 (VCV004715456.1).